The following is an entry in ClinVar:

NM_015480.3(NECTIN3):c.73C>G (p.Leu25Val)

Gene: NECTIN3 (nectin cell adhesion molecule 3; plus strand). Cytogenetic location: 3q13.13.
Variant type: single nucleotide variant.
Coding change: c.73C>G on transcript NM_015480.3 (MANE Select); coding-DNA position 73, C replaced by G.
Protein change: p.Leu25Val; replaces leucine 25 with valine.
Molecular consequence: missense variant. On other transcripts: 5 prime UTR variant (1).
Genome position (GRCh38, 1-based): chr3:111,072,090, C>G. VCF-style: chr3-111072090-C-G. GRCh37 (hg19) VCF-style: chr3-110790937-C-G.
Other names: c.73C>G, p.Leu25Val (NM_001243286.2); c.-330C>G (NM_001243288.2); short protein forms L25V.
Identifiers: ClinVar variation 3052150 (VCV003052150.2), dbSNP rs199677974, ClinGen allele CA2533634.

ClinVar aggregate classification (germline): Benign (0 of 4 stars; one submission).

Conditions:
NECTIN3-related disorder. Also called: NECTIN3-related condition.

Allele frequency attached by ClinVar (database versions not stated): ExAC 0.00144; 1000 Genomes Project 0.00240; ESP Exome Variant Server 0.00281; gnomAD 0.00288; TOPMed 0.00296; 1000 Genomes Project 30x 0.00312.
gnomAD v4.1: 769 of 1,549,566 alleles (0.05%); highest among the groups gnomAD compares: African/African-American, 0.92%; 5 homozygotes.

Submission:

PreventionGenetics, part of Exact Sciences
Classification: Benign for NECTIN3-related condition. Last evaluated: 2020-01-20. Review status: no assertion criteria provided. Collection method: clinical testing. Allele origin: germline.
Comment: This variant is classified as benign based on ACMG/AMP sequence variant interpretation guidelines (Richards et al. 2015 PMID: 25741868, with internal and published modifications).